The following is an entry in ClinVar:

NM_003322.6(TULP1):c.1361C>T (p.Thr454Met)

Gene: TULP1 (TUB like protein 1; minus strand). Cytogenetic location: 6p21.31.
Variant type: single nucleotide variant.
Coding change: c.1361C>T on transcript NM_003322.6 (MANE Select); coding-DNA position 1361, C replaced by T.
Protein change: p.Thr454Met; replaces threonine 454 with methionine.
Molecular consequence: missense variant.
Genome position (GRCh38, 1-based): chr6:35,500,115, G>A on the plus strand (C>T on the coding strand, the complement: TULP1 is on the minus strand). VCF-style: chr6-35500115-G-A. GRCh37 (hg19) VCF-style: chr6-35467892-G-A.
Other names: c.1202C>T, p.Thr401Met (NM_001289395.2); short protein forms T401M, T454M.
Identifiers: ClinVar variation 1026950 (VCV001026950.7), dbSNP rs138200747, ClinGen allele CA3772564.

ClinVar aggregate classification (germline): Uncertain significance. Review status: criteria provided, multiple submitters, no conflicts (2 of 4 stars). 3 submissions from 3 submitters: Uncertain significance (3). Last evaluated 2025-01-06.

Conditions:
Retinal dystrophy. Also called: Inherited retinal dystrophy. Identifiers: Orphanet 71862, MedGen C0854723, MeSH D058499, MONDO:0019118, HP:0000556.

Allele frequency attached by ClinVar (database versions not stated): ExAC 0.00005; gnomAD exomes 0.00005 and 0.00008; TOPMed 0.00008; gnomAD 0.00011 and 0.00012; 1000 Genomes Project 30x 0.00031; 1000 Genomes Project 0.00040.
gnomAD v4.1: 138 of 1,614,134 alleles (0.0085%); highest among the groups gnomAD compares: East Asian, 0.094%; 1 homozygote.

Submissions (3):

Labcorp Genetics (formerly Invitae), Labcorp
Classification: Uncertain significance. Last evaluated: 2025-01-06. Review status: criteria provided, single submitter. Criteria: Invitae Variant Classification Sherloc (09022015). Collection method: clinical testing. Allele origin: germline.
Comment: This sequence change replaces threonine, which is neutral and polar, with methionine, which is neutral and non-polar, at codon 454 of the TULP1 protein (p.Thr454Met). This variant is present in population databases (rs138200747, gnomAD 0.01%). This variant has not been reported in the literature in individuals affected with TULP1-related conditions. ClinVar contains an entry for this variant (Variation ID: 1026950). Invitae Evidence Modeling of protein sequence and biophysical properties (such as structural, functional, and spatial information, amino acid conservation, physicochemical variation, residue mobility, and thermodynamic stability) indicates that this missense variant is expected to disrupt TULP1 protein function with a positive predictive value of 95%. In summary, the available evidence is currently insufficient to determine the role of this variant in disease. Therefore, it has been classified as a Variant of Uncertain Significance.

Blueprint Genetics
Classification: Uncertain significance. Last evaluated: 2024-01-17. Review status: criteria provided, single submitter. Criteria: ACMG Guidelines, 2015. Collection method: clinical testing. Allele origin: germline.

Dept Of Ophthalmology, Nagoya University
Classification: Uncertain significance for Retinal dystrophy. Last evaluated: 2023-10-01. Review status: criteria provided, single submitter. Criteria: Submitter's publication. Collection method: research. Allele origin: germline. Affected: yes.